The following is an entry in ClinVar:

ClinVar aggregate classification (germline): Uncertain significance (1 of 4 stars; one submission).

Conditions:
Very long chain acyl-CoA dehydrogenase deficiency (ACADVLD). Also called: VLCAD Deficiency; Very Long-Chain Acyl-Coenzyme A Dehydrogenase Deficiency. Identifiers: Orphanet 26793, MedGen C3887523, MONDO:0008723, OMIM 201475.

Submission:

Labcorp Genetics (formerly Invitae), Labcorp
Classification: Uncertain significance for Very long chain acyl-CoA dehydrogenase deficiency. Last evaluated: 2022-02-08. Review status: criteria provided, single submitter. Criteria: Invitae Variant Classification Sherloc (09022015). Collection method: clinical testing. Allele origin: germline.
Comment: This sequence change replaces valine, which is neutral and non-polar, with alanine, which is neutral and non-polar, at codon 164 of the ACADVL protein (p.Val164Ala). This variant is not present in population databases (gnomAD no frequency). This missense change has been observed in individual(s) with a positive newborn screening result for ACADVL-related disease (Invitae). Algorithms developed to predict the effect of missense changes on protein structure and function output the following: SIFT: "Tolerated"; PolyPhen-2: "Benign"; Align-GVGD: "Class C0". The alanine amino acid residue is found in multiple mammalian species, which suggests that this missense change does not adversely affect protein function. In summary, the available evidence is currently insufficient to determine the role of this variant in disease. Therefore, it has been classified as a Variant of Uncertain Significance.

NM_000018.4(ACADVL):c.491T>C (p.Val164Ala)

Gene: ACADVL (acyl-CoA dehydrogenase very long chain; plus strand). Cytogenetic location: 17p13.1.
Variant type: single nucleotide variant.
Coding change: c.491T>C on transcript NM_000018.4 (MANE Select); coding-DNA position 491, T replaced by C.
Protein change: p.Val164Ala; replaces valine 164 with alanine.
Molecular consequence: missense variant.
Genome position (GRCh38, 1-based): chr17:7,221,551, T>C. VCF-style: chr17-7221551-T-C. GRCh37 (hg19) VCF-style: chr17-7124870-T-C.
Other names: c.425T>C, p.Val142Ala (NM_001033859.3); c.560T>C, p.Val187Ala (NM_001270447.2); c.263T>C, p.Val88Ala (NM_001270448.2); short protein forms V187A, V88A, V142A, V164A.
Identifiers: ClinVar variation 1487314 (VCV001487314.8), dbSNP rs2071225938, ClinGen allele CA397723021.